The following is an entry in ClinVar:

NM_000497.4(CYP11B1):c.607G>A (p.Ala203Thr)

Genes: CYP11B1 (cytochrome P450 family 11 subfamily B member 1; minus strand), LOC106799833 (CYP11B1 recombination region; plus strand). Cytogenetic location: 8q24.3.
Variant type: single nucleotide variant.
Coding change: c.607G>A on transcript NM_000497.4 (MANE Select); coding-DNA position 607, G replaced by A.
Protein change: p.Ala203Thr; replaces alanine 203 with threonine.
Molecular consequence: missense variant.
Genome position (GRCh38, 1-based): chr8:142,876,874, C>T on the plus strand (G>A on the coding strand, the complement: CYP11B1 is on the minus strand). VCF-style: chr8-142876874-C-T. GRCh37 (hg19) VCF-style: chr8-143958290-C-T.
Other names: c.607G>A, p.Ala203Thr (NM_001026213.1); short protein forms A203T.
Identifiers: ClinVar variation 2918226 (VCV002918226.3), dbSNP rs2488678287, ClinGen allele CA372395788.

ClinVar aggregate classification (germline): Uncertain significance (1 of 4 stars; one submission).

Allele frequency attached by ClinVar (database versions not stated): gnomAD exomes below 0.00001.
gnomAD v4.1: 3 of 1,614,168 alleles (0.00019%); highest among the groups gnomAD compares: Middle Eastern, 0.016%; no homozygotes.

Submission:

Labcorp Genetics (formerly Invitae), Labcorp
Classification: Uncertain significance. Last evaluated: 2023-05-12. Review status: criteria provided, single submitter. Criteria: Invitae Variant Classification Sherloc (09022015). Collection method: clinical testing. Allele origin: germline.
Comment: In summary, the available evidence is currently insufficient to determine the role of this variant in disease. Therefore, it has been classified as a Variant of Uncertain Significance. Algorithms developed to predict the effect of sequence changes on RNA splicing suggest that this variant may create or strengthen a splice site. Advanced modeling of protein sequence and biophysical properties (such as structural, functional, and spatial information, amino acid conservation, physicochemical variation, residue mobility, and thermodynamic stability) performed at Invitae indicates that this missense variant is not expected to disrupt CYP11B1 protein function. This variant has not been reported in the literature in individuals affected with CYP11B1-related conditions. This variant is not present in population databases (gnomAD no frequency). This sequence change replaces alanine, which is neutral and non-polar, with threonine, which is neutral and polar, at codon 203 of the CYP11B1 protein (p.Ala203Thr).